The following is an entry in ClinVar:

ClinVar aggregate classification (germline): Uncertain significance. Review status: criteria provided, multiple submitters, no conflicts (2 of 4 stars). 2 submissions from 2 submitters: Uncertain significance (2). Last evaluated 2026-08-04.

Conditions:
Multiple endocrine neoplasia type 4. Also called: MULTIPLE ENDOCRINE NEOPLASIA, TYPE IV. Identifiers: Orphanet 276152, MedGen C1970712, MONDO:0012552, OMIM 610755.
Hereditary cancer-predisposing syndrome. Also called: Hereditary Cancer Syndrome; Hereditary neoplastic syndrome; Neoplastic Syndromes, Hereditary; Tumor predisposition. Identifiers: Orphanet 140162, MedGen C0027672, MeSH D009386, MONDO:0015356.

Submissions (2):

Ambry Genetics
Classification: Uncertain significance for Hereditary cancer-predisposing syndrome. Last evaluated: 2026-08-04. Review status: criteria provided, single submitter. Criteria: Ambry Variant Classification Scheme 2023. Collection method: clinical testing. Allele origin: germline.
Comment: The c.475+2T>C intronic variant results from a T to C substitution two nucleotides after coding exon 1 in the CDKN1B gene. This nucleotide position is highly conserved in available vertebrate species. In silico splice site analysis predicts that this alteration will weaken the native splice donor site. Variants that disrupt the canonical splice site are expected to cause aberrant splicing, resulting in an abnormal protein or a transcript that is subject to nonsense-mediated mRNA decay; however, +2T>C variants are capable of generating wild-type transcripts in some genomic contexts and should be interpreted with caution (Lin JH et al. Hum Mutat. 2019 10;40:1856-1873). Based on the available evidence, the clinical significance of this variant remains unclear.

Labcorp Genetics (formerly Invitae), Labcorp
Classification: Uncertain significance for Multiple endocrine neoplasia type 4. Last evaluated: 2023-05-01. Review status: criteria provided, single submitter. Criteria: Invitae Variant Classification Sherloc (09022015). Collection method: clinical testing. Allele origin: germline.
Comment: Variants that disrupt the consensus splice site are a relatively common cause of aberrant splicing (PMID: 17576681, 9536098). Algorithms developed to predict the effect of sequence changes on RNA splicing suggest that this variant may disrupt the consensus splice site. This variant has not been reported in the literature in individuals affected with CDKN1B-related conditions. This variant is not present in population databases (gnomAD no frequency). This sequence change affects a donor splice site in intron 1 of the CDKN1B gene. While this variant is not anticipated to result in nonsense mediated decay, it likely alters RNA splicing and results in a disrupted protein product. In summary, the available evidence is currently insufficient to determine the role of this variant in disease. Therefore, it has been classified as a Variant of Uncertain Significance.

Literature cited by the submitters: PubMed 17576681 (cited by Labcorp Genetics (formerly Invitae), Labcorp); PubMed 9536098 (cited by Labcorp Genetics (formerly Invitae), Labcorp).

NM_004064.5(CDKN1B):c.475+2T>C

Gene: CDKN1B (cyclin dependent kinase inhibitor 1B; plus strand). Cytogenetic location: 12p13.1.
Variant type: single nucleotide variant.
Coding change: c.475+2T>C on transcript NM_004064.5 (MANE Select); the canonical splice donor site of the intron after coding-DNA position 475, T replaced by C.
Molecular consequence: splice donor variant.
Genome position (GRCh38, 1-based): chr12:12,718,316, T>C. VCF-style: chr12-12718316-T-C. GRCh37 (hg19) VCF-style: chr12-12871250-T-C.
Other names: c.475+2T>C (NM_004064.3).
Identifiers: ClinVar variation 2849436 (VCV002849436.4), dbSNP rs1946500748, ClinGen allele CA383971046.
Genomic context (GRCh38, chr12:12,718,316, plus strand): 5'-CAGCCAGACGGGGTTAGCGGAGCAATGCGCAGGAATAAGGAAGCGACCTGCAACCGACGG[T>C]AATGACCCTTTCCCAACCATAGAATGTGTTTGGGGCCCCGCTTTGCCTGCTGGAGGGTGT-3'